The following is an entry in ClinVar:

NM_002181.4(IHH):c.283G>A (p.Glu95Lys)

Gene: IHH (Indian hedgehog signaling molecule; minus strand). Cytogenetic location: 2q35.
Variant type: single nucleotide variant.
Coding change: c.283G>A on transcript NM_002181.4 (MANE Select); coding-DNA position 283, G replaced by A.
Protein change: p.Glu95Lys; replaces glutamic acid 95 with lysine.
Molecular consequence: missense variant.
Genome position (GRCh38, 1-based): chr2:219,060,185, C>T on the plus strand (G>A on the coding strand, the complement: IHH is on the minus strand). VCF-style: chr2-219060185-C-T. GRCh37 (hg19) VCF-style: chr2-219924907-C-T.
Other names: short protein forms E95K.
Identifiers: ClinVar variation 8866 (VCV000008866.5), dbSNP rs121917852, ClinGen allele CA119973.
Genomic context (GRCh38, chr2:219,060,185, plus strand): 5'-GCGCGCTGGTAGGGCGGATCGCGCTCACCTGGGTCATGAGGCGGTCGGCGCCTGTGTTCT[C>T]CTCGTCCTTGAAGATGATGTCTGGATTGTAATTGGGGGTGAGCTCCTTGAAGCGCTCGGA-3'
Protein context (NP_002172.2, residues 85-105): YNPDIIFKDE[Glu95Lys]NTGADRLMTQ

ClinVar aggregate classification (germline): Pathogenic. Review status: criteria provided, single submitter (1 of 4 stars). 2 submissions from 2 submitters: Pathogenic (1). 1 of the submissions does not count toward it. Last evaluated 2023-05-27.

Conditions:
Brachydactyly type A1. Also called: SHORT STATURE WITH NONSPECIFIC SKELETAL ABNORMALITIES 2; FARABEE-TYPE BRACHYDACTYLY. Identifiers: Orphanet 93388, MedGen C1862151, MONDO:0007215, OMIM 112500, HP:0009371.

Submissions (2):

Labcorp Genetics (formerly Invitae), Labcorp
Classification: Pathogenic. Last evaluated: 2023-05-27. Review status: criteria provided, single submitter. Criteria: Invitae Variant Classification Sherloc (09022015). Collection method: clinical testing. Allele origin: germline.
Comment: For these reasons, this variant has been classified as Pathogenic. Experimental studies have shown that this missense change affects IHH function (PMID: 19252479). Advanced modeling of protein sequence and biophysical properties (such as structural, functional, and spatial information, amino acid conservation, physicochemical variation, residue mobility, and thermodynamic stability) performed at Invitae indicates that this missense variant is expected to disrupt IHH protein function. ClinVar contains an entry for this variant (Variation ID: 8866). This missense change has been observed in individuals with brachydactyly (PMID: 11455389; Invitae). It has also been observed to segregate with disease in related individuals. This variant is not present in population databases (gnomAD no frequency). This sequence change replaces glutamic acid, which is acidic and polar, with lysine, which is basic and polar, at codon 95 of the IHH protein (p.Glu95Lys).

OMIM
Classification: Pathogenic for BRACHYDACTYLY, TYPE A1. Last evaluated: 2009-04-30. Review status: no assertion criteria provided. Collection method: literature only. Allele origin: germline. Not counted in ClinVar's aggregate classification.

Literature cited by the submitters: PubMed 19252479 (cited by Labcorp Genetics (formerly Invitae), Labcorp and OMIM); PubMed 11455389 (cited by Labcorp Genetics (formerly Invitae), Labcorp and OMIM); PubMed 18794898 (cited by OMIM).